The following is an entry in ClinVar:

ClinVar aggregate classification (germline): Likely benign. Review status: criteria provided, multiple submitters, no conflicts (2 of 4 stars). 3 submissions from 3 submitters: Likely benign (3). Last evaluated 2026-04-01.

Allele frequency attached by ClinVar (database versions not stated): gnomAD 0.00004 and 0.00005; gnomAD exomes 0.00004 and 0.00008; TOPMed 0.00004; ExAC 0.00005; 1000 Genomes Project 30x 0.00016; 1000 Genomes Project 0.00020.
gnomAD v4.1: 66 of 1,614,218 alleles (0.0041%); highest among the groups gnomAD compares: Admixed American, 0.022%; no homozygotes.

Submissions (3):

CeGaT Center for Human Genetics Tuebingen
Classification: Likely benign. Last evaluated: 2026-04-01. Review status: criteria provided, single submitter. Criteria: CeGaT Center For Human Genetics Tuebingen Variant Classification Criteria Version 2. Collection method: clinical testing. Allele origin: germline. Affected: yes. Observed: 1 variant allele.
Comment: ADNP: BP4, BP7

Blueprint Genetics
Classification: Likely benign. Last evaluated: 2024-11-13. Review status: criteria provided, single submitter. Criteria: ACMG Guidelines, 2015. Collection method: clinical testing. Allele origin: germline.

Labcorp Genetics (formerly Invitae), Labcorp
Classification: Likely benign. Last evaluated: 2024-07-24. Review status: criteria provided, single submitter. Criteria: Invitae Variant Classification Sherloc (09022015). Collection method: clinical testing. Allele origin: germline.

NM_001282531.3(ADNP):c.1683C>T (p.Asn561=)

Gene: ADNP (activity dependent neuroprotector homeobox; minus strand). Cytogenetic location: 20q13.13.
Variant type: single nucleotide variant.
Coding change: c.1683C>T on transcript NM_001282531.3 (MANE Select); coding-DNA position 1683, C replaced by T.
Protein change: p.Asn561=; no amino-acid change (asparagine 561 retained).
Molecular consequence: synonymous variant.
Genome position (GRCh38, 1-based): chr20:50,893,031, G>A on the plus strand (C>T on the coding strand, the complement: ADNP is on the minus strand). VCF-style: chr20-50893031-G-A. GRCh37 (hg19) VCF-style: chr20-49509568-G-A.
Other names: c.1683C>T, p.Asn561= (NM_001282532.2, NM_001347511.2, NM_015339.5 and 1 more transcripts).
Identifiers: ClinVar variation 761244 (VCV000761244.9), dbSNP rs573699038, ClinGen allele CA9908699.